The following is an entry in ClinVar:

ClinVar aggregate classification (germline): Likely benign. Review status: criteria provided, multiple submitters, no conflicts (2 of 4 stars). 2 submissions from 2 submitters: Likely benign (2). Last evaluated 2023-02-11.

Conditions:
Glycogen storage disease IXc (GSD9C). Also called: GSD IXc. Identifiers: Orphanet 264580, MedGen C2751643, MONDO:0013091, OMIM 613027.

Allele frequency attached by ClinVar (database versions not stated): ExAC 0.00001; gnomAD exomes 0.00001; gnomAD 0.00002 and 0.00003; TOPMed 0.00002; ESP Exome Variant Server 0.00008.
gnomAD v4.1: 15 of 1,613,924 alleles (0.00093%); highest among the groups gnomAD compares: African/African-American, 0.016%; no homozygotes.

Submissions (2):

Labcorp Genetics (formerly Invitae), Labcorp
Classification: Likely benign for Glycogen storage disease IXc. Last evaluated: 2023-02-11. Review status: criteria provided, single submitter. Criteria: Invitae Variant Classification Sherloc (09022015). Collection method: clinical testing. Allele origin: germline.

GeneDx
Classification: Likely benign. Last evaluated: 2016-03-11. Review status: criteria provided, single submitter. Criteria: GeneDx Variant Classification (06012015). Collection method: clinical testing. Allele origin: germline. Affected: yes.
Comment: This variant is considered likely benign or benign based on one or more of the following criteria: it is a conservative change, it occurs at a poorly conserved position in the protein, it is predicted to be benign by multiple in silico algorithms, and/or has population frequency not consistent with disease.

NM_000294.3(PHKG2):c.927+18A>G

Gene: PHKG2 (phosphorylase kinase catalytic subunit gamma 2; plus strand). Cytogenetic location: 16p11.2.
Variant type: single nucleotide variant.
Coding change: c.927+18A>G on transcript NM_000294.3 (MANE Select); 18 bases into the intron after coding-DNA position 927, A replaced by G.
Molecular consequence: intron variant.
Genome position (GRCh38, 1-based): chr16:30,756,733, A>G. VCF-style: chr16-30756733-A-G. GRCh37 (hg19) VCF-style: chr16-30768054-A-G.
Other names: c.927+18A>G (NM_001172432.2).
Identifiers: ClinVar variation 383298 (VCV000383298.4), dbSNP rs369022609, ClinGen allele CA8013347.